The following is an entry in ClinVar:

ClinVar aggregate classification (germline): Benign. Review status: criteria provided, multiple submitters, no conflicts (2 of 4 stars). 3 submissions from 3 submitters: Benign (2). 1 of the submissions does not count toward it. Last evaluated 2024-04-04.

Conditions:
Inflammatory bowel disease 19 (IBD19). Also called: INFLAMMATORY BOWEL DISEASE (CROHN DISEASE) 19. Identifiers: MedGen C2677079, MONDO:0012845, OMIM 612278.

Allele frequency attached by ClinVar (database versions not stated): gnomAD exomes 0.10757 and 0.16501; ExAC 0.19130; ESP Exome Variant Server 0.19492; gnomAD 0.20755 and 0.20822; TOPMed 0.22434; 1000 Genomes Project 0.30371; 1000 Genomes Project 30x 0.30621.
gnomAD v4.1: 184,690 of 1,551,610 alleles (12%); highest among the groups gnomAD compares: African/African-American, 45%; 18,592 homozygotes.

Submissions (3):

Genomic Medicine Center of Excellence, King Faisal Specialist Hospital and Research Centre
Classification: Benign for Inflammatory bowel disease 19. Last evaluated: 2024-04-04. Review status: criteria provided, single submitter. Criteria: ACMG Guidelines, 2015. Collection method: clinical testing. Allele origin: germline.

H3Africa Consortium
Classification: Benign. Last evaluated: 2020-10-28. Review status: criteria provided, single submitter. Criteria: Choudhury A et al. (Nature 2020). Collection method: research. Allele origin: germline. Study: H3Africa.
Comment: While the frequency of the alternate allele in gnoMAD v2.0.2 is 0.646, its frequency in African populations is >5%. This suggests that previous classifications of this variant as pathogenic are in error.

OMIM
Classification: Pathogenic for INFLAMMATORY BOWEL DISEASE (CROHN DISEASE) 19. Last evaluated: 2011-03-01. Review status: no assertion criteria provided. Collection method: literature only. Allele origin: germline. Not counted in ClinVar's aggregate classification.

Literature cited by the submitters: PubMed 17554261 (cited by OMIM); PubMed 18985712 (cited by OMIM); PubMed 19174780 (cited by OMIM); PubMed 21278745 (cited by OMIM).

NM_001145805.2(IRGM):c.313C>T (p.Leu105=)

Gene: IRGM (immunity related GTPase M; plus strand). Cytogenetic location: 5q33.1.
Variant type: single nucleotide variant.
Coding change: c.313C>T on transcript NM_001145805.2 (MANE Select); coding-DNA position 313, C replaced by T.
Protein change: p.Leu105=; no amino-acid change (leucine 105 retained).
Molecular consequence: synonymous variant. On other transcripts: non-coding transcript variant (1).
Genome position (GRCh38, 1-based): chr5:150,848,436, C>T. VCF-style: chr5-150848436-C-T. GRCh37 (hg19) VCF-style: chr5-150227998-C-T.
Other names: IRGM, 313C-T, LEU105LEU; L105L; c.313C>T, p.Leu105= (NM_001346557.2).
Identifiers: ClinVar variation 30716 (VCV000030716.3), dbSNP rs10065172, ClinGen allele CA129412.
Genomic context (GRCh38, chr5:150,848,436, plus strand): 5'-AATGTGGTGTTGTGGGACCTGCCTGGCACAGGGTCTGCCACCACAACCCTGGAGAACTAC[C>T]TGATGGAAATGCAGTTCAACCGGTATGACTTCATCATGGTTGCATCTGCACAATTCAGCA-3'
Protein context (NP_001139277.1, residues 95-115): GSATTTLENY[Leu105=]MEMQFNRYDF